The following is an entry in ClinVar:

NM_006946.4(SPTBN2):c.1531C>T (p.Arg511Trp)

Gene: SPTBN2 (spectrin beta, non-erythrocytic 2; minus strand). Cytogenetic location: 11q13.2.
Variant type: single nucleotide variant.
Coding change: c.1531C>T on transcript NM_006946.4 (MANE Select); coding-DNA position 1531, C replaced by T.
Protein change: p.Arg511Trp; replaces arginine 511 with tryptophan.
Molecular consequence: missense variant.
Genome position (GRCh38, 1-based): chr11:66,707,638, G>A on the plus strand (C>T on the coding strand, the complement: SPTBN2 is on the minus strand). VCF-style: chr11-66707638-G-A. GRCh37 (hg19) VCF-style: chr11-66475109-G-A.
Other names: c.1552C>T, p.Arg518Trp (NM_001411025.1); short protein forms R511W, R518W.
Identifiers: ClinVar variation 2554774 (VCV002554774.3), dbSNP rs769185550, ClinGen allele CA6129340.

ClinVar aggregate classification (germline): Uncertain significance (1 of 4 stars; one submission).

Conditions:
Inborn genetic diseases. Identifiers: MedGen C0950123, MeSH D030342.

Allele frequency attached by ClinVar (database versions not stated): gnomAD 0.00001; ExAC 0.00001.
gnomAD v4.1: 27 of 1,609,264 alleles (0.0017%); highest among the groups gnomAD compares: South Asian, 0.0044%; no homozygotes.

Submission:

Ambry Genetics
Classification: Uncertain significance for Inborn genetic diseases. Last evaluated: 2026-07-07. Review status: criteria provided, single submitter. Criteria: Ambry Variant Classification Scheme 2023. Collection method: clinical testing. Allele origin: germline.
Comment: The c.1531C>T (p.R511W) alteration is located in exon 12 (coding exon 11) of the SPTBN2 gene. This alteration results from a C to T substitution at nucleotide position 1531, causing the arginine (R) at amino acid position 511 to be replaced by a tryptophan (W). Based on data from gnomAD, the T allele has an overall frequency of 0.002% (6/277574) total alleles studied. The highest observed frequency was 0.01% (3/30570) of South Asian alleles. Based on insufficient or conflicting evidence, the clinical significance of this alteration remains unclear.